The following is an entry in ClinVar:

NM_001365951.3(KIF1B):c.4612A>T (p.Thr1538Ser)

Gene: KIF1B (kinesin family member 1B; plus strand). Cytogenetic location: 1p36.22.
Variant type: single nucleotide variant.
Coding change: c.4612A>T on transcript NM_001365951.3 (MANE Select); coding-DNA position 4612, A replaced by T.
Protein change: p.Thr1538Ser; replaces threonine 1538 with serine.
Molecular consequence: missense variant.
Genome position (GRCh38, 1-based): chr1:10,365,508, A>T. VCF-style: chr1-10365508-A-T. GRCh37 (hg19) VCF-style: chr1-10425566-A-T.
Other names: c.4612A>T, p.Thr1538Ser (NM_001365952.1); c.4474A>T, p.Thr1492Ser (NM_015074.3); short protein forms T1492S, T1538S.
Identifiers: ClinVar variation 1740848 (VCV001740848.2), dbSNP rs2521915013, ClinGen allele CA338322043.

ClinVar aggregate classification (germline): Uncertain significance (1 of 4 stars; one submission).

Submission:

Ambry Genetics
Classification: Uncertain significance. Last evaluated: 2022-08-15. Review status: criteria provided, single submitter. Criteria: Ambry Variant Classification Scheme 2023. Collection method: clinical testing. Allele origin: germline.
Comment: The p.T1492S variant (also known as c.4474A>T), located in coding exon 40 of the KIF1B gene, results from an A to T substitution at nucleotide position 4474. The threonine at codon 1492 is replaced by serine, an amino acid with similar properties. This amino acid position is conserved. In addition, this alteration is predicted to be tolerated by in silico analysis. Since supporting evidence is limited at this time, the clinical significance of this alteration remains unclear.